The following is an entry in ClinVar:

ClinVar aggregate classification (germline): Pathogenic/Likely pathogenic. Review status: criteria provided, multiple submitters, no conflicts (2 of 4 stars). 5 submissions from 5 submitters: Pathogenic (3); Likely pathogenic (1). 1 of the submissions does not count toward it. Last evaluated 2026-09-13.

Conditions:
Leber congenital amaurosis 10 (LCA10). Identifiers: Orphanet 65, MedGen C1857821, MONDO:0012723, OMIM 611755.
Meckel syndrome, type 4 (MKS4). Also called: MECKEL-GRUBER SYNDROME, TYPE 4. Identifiers: Orphanet 564, MedGen C1970161, MONDO:0012626, OMIM 611134.
Joubert syndrome 5 (JBTS5). Identifiers: Orphanet 2318, MedGen C1857780, MONDO:0012432, OMIM 610188.
Senior-Loken syndrome 6 (SLSN6). Identifiers: Orphanet 3156, MedGen C1857779, MONDO:0012433, OMIM 610189.
Bardet-Biedl syndrome 14 (BBS14). Identifiers: Orphanet 110, MedGen C2673874, MONDO:0014442, OMIM 615991.
Leber congenital amaurosis (LCA). Also called: Leber's amaurosis. Identifiers: Orphanet 65, MedGen C0339527, MeSH D057130, MONDO:0018998.
CEP290-related disorder. Also called: CEP290-related disorders; CEP290-related condition. Identifiers: MedGen CN239314.
Meckel-Gruber syndrome. Also called: DYSENCEPHALIA SPLANCHNOCYSTICA; GRUBER SYNDROME; Dysencephalia splachnocystica. Identifiers: Orphanet 564, MedGen C0265215, MONDO:0018921.
Nephronophthisis. Also called: Juvenile Nephronophthisis. Identifiers: Orphanet 655, MedGen C0687120, MONDO:0019005, HP:0000090.
Joubert syndrome. Also called: Familial aplasia of the vermis; JOUBERT-BOLTSHAUSER SYNDROME. Identifiers: Orphanet 475, MedGen C5979921, MONDO:0018772.

Allele frequency attached by ClinVar (database versions not stated): gnomAD exomes below 0.00001; gnomAD 0.00001; TOPMed 0.00001.
gnomAD v4.1: 3 of 1,611,764 alleles (0.00019%); highest among the groups gnomAD compares: Admixed American, 0.0033%; no homozygotes.

Submissions (5):

PreventionGenetics, part of Exact Sciences
Classification: Likely pathogenic for CEP290-related condition. Last evaluated: 2026-09-13. Review status: criteria provided, single submitter. Criteria: ACMG Guidelines, 2015. Collection method: clinical testing. Allele origin: germline.
Comment: The CEP290 c.1623+2C>A variant is predicted to interfere with splicing. This variant was reported in an individual with retinal dystrophy (Sallum et al. 2020. PubMed ID: 32865313). This variant has not been reported in a large population database (gnomAD), indicating this variant is rare. Variants that disrupt the consensus splice donor site in CEP290 are expected to be pathogenic. This variant is interpreted as likely pathogenic.

Women's Health and Genetics/Laboratory Corporation of America, LabCorp
Classification: Pathogenic for Meckel syndrome, type 4. Last evaluated: 2025-03-24. Review status: criteria provided, single submitter. Criteria: LabCorp Variant Classification Summary - May 2015. Collection method: clinical testing. Allele origin: germline.
Comment: Variant summary: CEP290 c.1623+2C>A is located in a canonical splice-site and is predicted to affect mRNA splicing resulting in a significantly altered protein due to either exon skipping, shortening, or inclusion of intronic material. Variants that disrupt the consensus splice site are a relatively common cause of aberrant splicing and loss of CEP290 function. Several computational tools predict a significant impact on normal splicing: Four predict the variant abolishes a 5' splicing donor site. However, these predictions have yet to be confirmed by functional studies. The variant was absent in 248832 control chromosomes (gnomAD). c.1623+2C>A has been reported in the literature in at least one individual affected with Leber congenital amaurosis (LCA) or early-onset retinal dystrophy (Sallum_2020). To our knowledge, no experimental evidence demonstrating an impact on protein function has been reported. The following publication have been ascertained in the context of this evaluation (PMID: 32865313). ClinVar contains an entry for this variant (Variation ID: 1432036). Based on the evidence outlined above, the variant was classified as pathogenic.

Natera, Inc.
Classification: Pathogenic for Leber congenital amaurosis. Last evaluated: 2024-12-26. Review status: criteria provided, single submitter. Criteria: Natera Variant Classification Schema (03/2026). Collection method: clinical testing. Allele origin: germline.
Comment: The c.1623+2C>A variant in CEP290 is a canonical splice donor site variant predicted to affect pre-mRNA splicing, which may result in an abnormal transcript and altered protein product. This variant is expected to result in nonsense mediated decay, truncation, or a dysfunctional protein product. This variant is rare in the general population with a frequency below the threshold expected for the associated phenotype(s). Another variant at this same site results in an alteration predicted to cause a similar molecular effect has been observed in individual(s) with the associated phenotype. Given the available evidence, this variant is classified as Pathogenic.

Labcorp Genetics (formerly Invitae), Labcorp
Classification: Pathogenic for Joubert syndrome; Meckel-Gruber syndrome; Nephronophthisis. Last evaluated: 2024-10-07. Review status: criteria provided, single submitter. Criteria: Invitae Variant Classification Sherloc (09022015). Collection method: clinical testing. Allele origin: germline.
Comment: This sequence change affects a donor splice site in intron 16 of the CEP290 gene. It is expected to disrupt RNA splicing. Variants that disrupt the donor or acceptor splice site typically lead to a loss of protein function (PMID: 16199547), and loss-of-function variants in CEP290 are known to be pathogenic (PMID: 16909394, 17345604, 20690115). This variant is not present in population databases (gnomAD no frequency). Disruption of this splice site has been observed in individual(s) with autosomal recessive Leber congenital amaurosis and/or Joubert syndrome (PMID: 26092869, 32865313). ClinVar contains an entry for this variant (Variation ID: 1432036). Algorithms developed to predict the effect of sequence changes on RNA splicing suggest that this variant may disrupt the consensus splice site. For these reasons, this variant has been classified as Pathogenic.

Fulgent Genetics
Classification: Uncertain significance for Joubert syndrome 5; Senior-Loken syndrome 6; Meckel syndrome, type 4; Leber congenital amaurosis 10; Bardet-Biedl syndrome 14. Last evaluated: 2022-04-01. Review status: flagged submission. Criteria: ACMG Guidelines, 2015. Collection method: clinical testing. Allele origin: unknown. Not counted in ClinVar's aggregate classification.
ClinVar note: Reason: Outlier claim with insufficient supporting evidence

Literature cited by the submitters: PubMed 32865313 (cited by Women's Health and Genetics/Laboratory Corporation of America, LabCorp and Labcorp Genetics (formerly Invitae), Labcorp); PubMed 16199547 (cited by Labcorp Genetics (formerly Invitae), Labcorp); PubMed 16909394 (cited by Labcorp Genetics (formerly Invitae), Labcorp); PubMed 17345604 (cited by Labcorp Genetics (formerly Invitae), Labcorp); PubMed 20690115 (cited by Labcorp Genetics (formerly Invitae), Labcorp); PubMed 26092869 (cited by Labcorp Genetics (formerly Invitae), Labcorp).

NM_025114.4(CEP290):c.1623+2C>A

Gene: CEP290 (centrosomal protein 290; minus strand). Cytogenetic location: 12q21.32.
Variant type: single nucleotide variant.
Coding change: c.1623+2C>A on transcript NM_025114.4 (MANE Select); the canonical splice donor site of the intron after coding-DNA position 1623, C replaced by A.
Molecular consequence: splice donor variant.
Genome position (GRCh38, 1-based): chr12:88,118,641, G>T on the plus strand (C>A on the coding strand, the complement: CEP290 is on the minus strand). VCF-style: chr12-88118641-G-T. GRCh37 (hg19) VCF-style: chr12-88512418-G-T.
Other names: c.1623+2C>A (NM_025114.3).
Identifiers: ClinVar variation 1432036 (VCV001432036.14), dbSNP rs2039218006, ClinGen allele CA385979091.